The following is an entry in ClinVar:

ClinVar aggregate classification (germline): Uncertain significance (1 of 4 stars; one submission).

gnomAD v4.1: 1 of 1,612,688 alleles (0.000062%); highest among the groups gnomAD compares: Non-Finnish European, 0.000085%; no homozygotes.

Submission:

Greenwood Genetic Center Diagnostic Laboratories, Greenwood Genetic Center
Classification: Uncertain significance. Last evaluated: 2025-02-11. Review status: criteria provided, single submitter. Criteria: ACMG Guidelines, 2015. Collection method: clinical testing. Allele origin: germline.
Comment: PM2, PP3

NM_021160.3(ABHD16A):c.997G>A (p.Val333Met)

Gene: ABHD16A (abhydrolase domain containing 16A, phospholipase; minus strand). Cytogenetic location: 6p21.33.
Variant type: single nucleotide variant.
Coding change: c.997G>A on transcript NM_021160.3 (MANE Select); coding-DNA position 997, G replaced by A.
Protein change: p.Val333Met; replaces valine 333 with methionine.
Molecular consequence: missense variant. On other transcripts: non-coding transcript variant (2).
Genome position (GRCh38, 1-based): chr6:31,689,665, C>T on the plus strand (G>A on the coding strand, the complement: ABHD16A is on the minus strand). VCF-style: chr6-31689665-C-T. GRCh37 (hg19) VCF-style: chr6-31657442-C-T.
Other names: c.898G>A, p.Val300Met (NM_001177515.2); short protein forms V300M, V333M.
Identifiers: ClinVar variation 4851672 (VCV004851672.1).
Genomic context (GRCh38, chr6:31,689,665, plus strand): 5'-CGTAGATGATGATGTCCTGGGGCTGGAAGCCTAGGCGGTGGATGGCAAACTGGACCACCA[C>T]ATCCATGGCATTAGCCTCATTCTGCGGGAATGGCACCCCCTGCAGGAGAAAGGGCAAAGT-3'
Protein context (NP_066983.1, residues 323-343): FPQNEANAMD[Val333Met]VVQFAIHRLG